The following is an entry in ClinVar:

NM_004663.5(RAB11A):c.500C>A (p.Thr167Lys)

Gene: RAB11A (RAB11A, member RAS oncogene family; plus strand). Cytogenetic location: 15q22.31.
Variant type: single nucleotide variant.
Coding change: c.500C>A on transcript NM_004663.5 (MANE Select); coding-DNA position 500, C replaced by A.
Protein change: p.Thr167Lys; replaces threonine 167 with lysine.
Molecular consequence: missense variant. On other transcripts: intron variant (1).
Genome position (GRCh38, 1-based): chr15:65,879,740, C>A. VCF-style: chr15-65879740-C-A. GRCh37 (hg19) VCF-style: chr15-66172078-C-A.
Other names: c.439+61C>A (NM_001206836.2); short protein forms T167K.
Identifiers: ClinVar variation 2759462 (VCV002759462.3), dbSNP rs2549036302, ClinGen allele CA392923433.

ClinVar aggregate classification (germline): Uncertain significance (1 of 4 stars; one submission).

Submission:

Labcorp Genetics (formerly Invitae), Labcorp
Classification: Uncertain significance. Last evaluated: 2023-09-10. Review status: criteria provided, single submitter. Criteria: Invitae Variant Classification Sherloc (09022015). Collection method: clinical testing. Allele origin: germline.
Comment: In summary, the available evidence is currently insufficient to determine the role of this variant in disease. Therefore, it has been classified as a Variant of Uncertain Significance. This variant has not been reported in the literature in individuals affected with RAB11A-related conditions. An algorithm developed to predict the effect of missense changes on protein structure and function (PolyPhen-2) suggests that this variant is likely to be tolerated. This sequence change replaces threonine, which is neutral and polar, with lysine, which is basic and polar, at codon 167 of the RAB11A protein (p.Thr167Lys). This variant is not present in population databases (gnomAD no frequency).